The following is an entry in ClinVar:

NM_007294.4(BRCA1):c.125T>C (p.Ile42Thr)

Gene: BRCA1 (BRCA1 DNA repair associated; minus strand). Cytogenetic location: 17q21.31.
Variant type: single nucleotide variant.
Coding change: c.125T>C on transcript NM_007294.4 (MANE Select); coding-DNA position 125, T replaced by C.
Protein change: p.Ile42Thr; replaces isoleucine 42 with threonine.
Molecular consequence: missense variant. On other transcripts: non-coding transcript variant (1), intron variant (1).
Genome position (GRCh38, 1-based): chr17:43,115,735, A>G on the plus strand (T>C on the coding strand, the complement: BRCA1 is on the minus strand). VCF-style: chr17-43115735-A-G. GRCh37 (hg19) VCF-style: chr17-41267752-A-G.
Other names: c.-64T>C (NM_001407571.1, NM_001407853.1, NM_001407879.1 and 52 more transcripts); c.125T>C, p.Ile42Thr (NM_001407581.1, NM_001407582.1, NM_001407583.1 and 192 more transcripts); c.-133T>C (NM_001407727.1, NM_001407731.1, NM_001407733.1 and 13 more transcripts); c.-17T>C (NM_001407728.1, NM_001407729.1, NM_001407730.1 and 47 more transcripts); c.-13T>C (NM_001407841.1); c.-180T>C (NM_001407889.1, NM_001407900.1, NM_001408492.1); c.-179T>C (NM_001407960.1, NM_001407962.1, NM_001408510.1 and 1 more transcripts); c.-295T>C (NM_001407965.1); and 2 more; short protein forms I42T.
Identifiers: ClinVar variation 867506 (VCV000867506.7), dbSNP rs2055246954, ClinGen allele CA10601908.
Genomic context (GRCh38, chr17:43,115,735, plus strand): 5'-AGGACAAAAACAAAAGCTAATAATGGAGCCACATAACACATTCAAACTTACTTGCAAAAT[A>G]TGTGGTCACACTTTGTGGAGACAGGTTCCTTGATCAACTCCAGACTAGCAGGGTAGGGGG-3'
Protein context (NP_009225.1, residues 32-52): KEPVSTKCDH[Ile42Thr]FCKFCMLKLL

ClinVar aggregate classification (germline): Uncertain significance. Review status: criteria provided, multiple submitters, no conflicts (2 of 4 stars). 2 submissions from 2 submitters: Uncertain significance (2). Last evaluated 2024-03-07.

Conditions:
Hereditary breast ovarian cancer syndrome. Also called: Hereditary breast and/or ovarian cancer syndrome; BRCA1- and BRCA2-Associated Hereditary Breast and Ovarian Cancer; Hereditary breast and ovarian cancer syndrome; Hereditary breast and ovarian cancer; Hereditary breast and ovarian cancer syndrome (HBOC); Breast and ovarian cancer. Identifiers: Orphanet 145, MedGen C0677776, MeSH D061325, MONDO:0003582. Disease mechanism: loss of function.
Hereditary cancer-predisposing syndrome. Also called: Tumor predisposition; Hereditary Cancer Syndrome; Hereditary neoplastic syndrome; Neoplastic Syndromes, Hereditary. Identifiers: Orphanet 140162, MedGen C0027672, MeSH D009386, MONDO:0015356.

Submissions (3):

Ambry Genetics
Classification: Uncertain significance for Hereditary cancer-predisposing syndrome. Last evaluated: 2024-03-07. Review status: criteria provided, single submitter. Criteria: Ambry Variant Classification Scheme 2023. Collection method: clinical testing. Allele origin: germline.
Comment: The p.I42T variant (also known as c.125T>C), located in coding exon 2 of the BRCA1 gene, results from a T to C substitution at nucleotide position 125. The isoleucine at codon 42 is replaced by threonine, an amino acid with similar properties. One functional study found that this nucleotide substitution is functional in a high throughput genome editing haploid cell survival assay (Findlay GM et al. Nature, 2018 Oct;562:217-222). This amino acid position is highly conserved in available vertebrate species. In addition, this alteration is predicted to be deleterious by in silico analysis. Based on the available evidence, the clinical significance of this alteration remains unclear.

Labcorp Genetics (formerly Invitae), Labcorp
Classification: Uncertain significance for Hereditary breast ovarian cancer syndrome. Last evaluated: 2023-07-21. Review status: criteria provided, single submitter. Criteria: Invitae Variant Classification Sherloc (09022015). Collection method: clinical testing. Allele origin: germline.
Comment: This sequence change replaces isoleucine, which is neutral and non-polar, with threonine, which is neutral and polar, at codon 42 of the BRCA1 protein (p.Ile42Thr). This variant is not present in population databases (gnomAD no frequency). This variant has not been reported in the literature in individuals affected with BRCA1-related conditions. ClinVar contains an entry for this variant (Variation ID: 867506). Advanced modeling performed at Invitae incorporating data from internal and/or published experimental studies (PMID: 30209399) indicates that this missense variant is not expected to disrupt BRCA1 function. In summary, the available evidence is currently insufficient to determine the role of this variant in disease. Therefore, it has been classified as a Variant of Uncertain Significance.

Brotman Baty Institute, University of Washington
No classification provided (evidence only). Condition: Breast-ovarian cancer, familial 1. Review status: no classification provided. Collection method: in vitro. Allele origin: not applicable. Functional consequence: functionally_normal. Not counted in ClinVar's aggregate classification.
ClinVar note: "not provided" was previously submitted as the classification for the variant. However, the classification appeared to be based only on an observation of functional data so it was converted to no classification on 2025-07-30.

Literature cited by the submitters: PubMed 30209399 (cited by Ambry Genetics and Labcorp Genetics (formerly Invitae), Labcorp).